The following is an entry in ClinVar:

NM_000530.8(MPZ):c.386T>G (p.Val129Gly)

Gene: MPZ (myelin protein zero; minus strand). Cytogenetic location: 1q23.3.
Variant type: single nucleotide variant.
Coding change: c.386T>G on transcript NM_000530.8 (MANE Select); coding-DNA position 386, T replaced by G.
Protein change: p.Val129Gly; replaces valine 129 with glycine.
Molecular consequence: missense variant.
Genome position (GRCh38, 1-based): chr1:161,306,770, A>C on the plus strand (T>G on the coding strand, the complement: MPZ is on the minus strand). VCF-style: chr1-161306770-A-C. GRCh37 (hg19) VCF-style: chr1-161276560-A-C.
Other names: c.386T>G, p.Val129Gly (NM_001315491.2); short protein forms V129G.
Identifiers: ClinVar variation 1473814 (VCV001473814.6), dbSNP rs2102258829, ClinGen allele CA343348815.

ClinVar aggregate classification (germline): Uncertain significance (1 of 4 stars; one submission).

Conditions:
Charcot-Marie-Tooth disease, type I (CMT1). Also called: Charcot-Marie-Tooth disease type 1; Charcot-Marie-Tooth, Type 1. Identifiers: Orphanet 65753, MedGen C0751036, MONDO:0019011.

Submission:

Labcorp Genetics (formerly Invitae), Labcorp
Classification: Uncertain significance for Charcot-Marie-Tooth disease, type I. Last evaluated: 2021-09-08. Review status: criteria provided, single submitter. Criteria: Invitae Variant Classification Sherloc (09022015). Collection method: clinical testing. Allele origin: germline.
Comment: This sequence change replaces valine with glycine at codon 129 of the MPZ protein (p.Val129Gly). The valine residue is highly conserved and there is a moderate physicochemical difference between valine and glycine. This variant is not present in population databases (ExAC no frequency). This variant has not been reported in the literature in individuals affected with MPZ-related conditions. Algorithms developed to predict the effect of missense changes on protein structure and function are either unavailable or do not agree on the potential impact of this missense change (SIFT: "Deleterious"; PolyPhen-2: "Possibly Damaging"; Align-GVGD: "Class C0"). In summary, the available evidence is currently insufficient to determine the role of this variant in disease. Therefore, it has been classified as a Variant of Uncertain Significance.